The following is an entry in ClinVar:

NM_000435.3(NOTCH3):c.5941C>T (p.Arg1981Cys)

Gene: NOTCH3 (notch receptor 3; minus strand). Cytogenetic location: 19p13.12.
Variant type: single nucleotide variant.
Coding change: c.5941C>T on transcript NM_000435.3 (MANE Select); coding-DNA position 5941, C replaced by T.
Protein change: p.Arg1981Cys; replaces arginine 1981 with cysteine.
Molecular consequence: missense variant.
Genome position (GRCh38, 1-based): chr19:15,161,687, G>A on the plus strand (C>T on the coding strand, the complement: NOTCH3 is on the minus strand). VCF-style: chr19-15161687-G-A. GRCh37 (hg19) VCF-style: chr19-15272498-G-A.
Other names: c.5941C>T (NM_000435.2); short protein forms R1981C.
Identifiers: ClinVar variation 3891848 (VCV003891848.4).
Genomic context (GRCh38, chr19:15,161,687, plus strand): 5'-TGATCTCACGGTTGGCAAAGTGGTCCAACAGCAGCTTGGCAGCCTCATAGCTGCCCTCGC[G>A]GGCGGCCAGGAATAGGGGGGTCTCCTCCTGGGGGGCCAGAACCCACAGAGGTCAGCGAAA-3'
Protein context (NP_000426.2, residues 1971-1991): KEETPLFLAA[Arg1981Cys]EGSYEAAKLL

ClinVar aggregate classification (germline): Uncertain significance. Review status: criteria provided, multiple submitters, no conflicts (2 of 4 stars). 4 submissions from 4 submitters: Uncertain significance (4). Last evaluated 2025-09-19.

Conditions:
Lateral meningocele syndrome (LMNS). Also called: NOTCH3-Related Lateral Meningocele Syndrome. Identifiers: Orphanet 2789, MedGen C1851710, MONDO:0007537, OMIM 130720.
Cerebral arteriopathy, autosomal dominant, with subcortical infarcts and leukoencephalopathy, type 1 (CADASIL1). Also called: DEMENTIA, HEREDITARY MULTIINFARCT TYPE; CADASIL 1; CASIL; Cerebral arteriopathy with subcortical infarcts and leukoencephalopathy 1. Identifiers: Orphanet 136, MedGen C4551768, MONDO:0000914, OMIM 125310.
Myofibromatosis, infantile, 2. Identifiers: Orphanet 2591, MedGen C3809084, MONDO:0014122, OMIM 615293.

Submissions (4):

Labcorp Genetics (formerly Invitae), Labcorp
Classification: Uncertain significance. Last evaluated: 2025-09-19. Review status: criteria provided, single submitter. Criteria: Invitae Variant Classification Sherloc (09022015). Collection method: clinical testing. Allele origin: germline.
Comment: This sequence change replaces arginine, which is basic and polar, with cysteine, which is neutral and slightly polar, at codon 1981 of the NOTCH3 protein (p.Arg1981Cys). This variant is present in population databases (rs200541224, gnomAD 0.005%). This variant has not been reported in the literature in individuals affected with NOTCH3-related conditions. ClinVar contains an entry for this variant (Variation ID: 3891848). Invitae Evidence Modeling of protein sequence and biophysical properties (such as structural, functional, and spatial information, amino acid conservation, physicochemical variation, residue mobility, and thermodynamic stability) has been performed for this missense variant. However, the output from this modeling did not meet the statistical confidence thresholds required to predict the impact of this variant on NOTCH3 protein function. In summary, the available evidence is currently insufficient to determine the role of this variant in disease. Therefore, it has been classified as a Variant of Uncertain Significance.

Athena Diagnostics
Classification: Uncertain significance. Last evaluated: 2025-08-15. Review status: criteria provided, single submitter. Criteria: Athena Diagnostics Criteria. Collection method: clinical testing. Allele origin: unknown.
Comment: Available data are insufficient to determine the clinical significance of the variant at this time. The frequency of this variant in the general population is uninformative in assessment of its pathogenicity. Polyphen and MutationTaster predict this amino acid change may be damaging to the protein.

Women's Health and Genetics/Laboratory Corporation of America, LabCorp
Classification: Uncertain significance. Last evaluated: 2025-07-17. Review status: criteria provided, single submitter. Criteria: LabCorp Variant Classification Summary - May 2015. Collection method: clinical testing. Allele origin: germline.
Comment: Variant summary: NOTCH3 c.5941C>T (p.Arg1981Cys) results in a non-conservative amino acid change in the encoded protein sequence. Algorithms developed to predict the effect of missense changes on protein structure and function are either unavailable or do not agree on the potential impact of this missense change. The variant allele was found at a frequency of 1.2e-05 in 245680 control chromosomes. The available data on variant occurrences in the general population are insufficient to allow any conclusion about variant significance. c.5941C>T has been observed in individual(s) affected with Parkinsons disease without strong evidence for causality (Zeng_2022). These report(s) do not provide unequivocal conclusions about association of the variant with Cerebral arteriopathy, autosomal dominant, with subcortical infarcts and leukoencephalopathy, type 1. To our knowledge, no experimental evidence demonstrating an impact on protein function has been reported. The following publication has been ascertained in the context of this evaluation (PMID: 36570541). ClinVar contains an entry for this variant (Variation ID: 3891848). Based on the evidence outlined above, the variant was classified as uncertain significance.

Department of Pathology and Laboratory Medicine, Sinai Health System
Classification: Uncertain significance for Cerebral arteriopathy, autosomal dominant, with subcortical infarcts and leukoencephalopathy, type 1; Lateral meningocele syndrome; Myofibromatosis, infantile, 2. Last evaluated: 2021-07-30. Review status: criteria provided, single submitter. Criteria: ACMG Guidelines, 2015. Collection method: research. Allele origin: germline.

Literature cited by the submitters: PubMed 36570541 (cited by Women's Health and Genetics/Laboratory Corporation of America, LabCorp).